The following is an entry in ClinVar:

NM_001114753.3(ENG):c.1061T>C (p.Leu354Pro)

Gene: ENG (endoglin; minus strand). Cytogenetic location: 9q34.11.
Variant type: single nucleotide variant.
Coding change: c.1061T>C on transcript NM_001114753.3 (MANE Select); coding-DNA position 1061, T replaced by C.
Protein change: p.Leu354Pro; replaces leucine 354 with proline.
Molecular consequence: missense variant.
Genome position (GRCh38, 1-based): chr9:127,824,377, A>G on the plus strand (T>C on the coding strand, the complement: ENG is on the minus strand). VCF-style: chr9-127824377-A-G. GRCh37 (hg19) VCF-style: chr9-130586656-A-G.
Other names: c.1061T>C, p.Leu354Pro (NM_000118.4, NM_001406715.1); c.515T>C, p.Leu172Pro (NM_001278138.2); short protein forms L172P, L354P.
Identifiers: ClinVar variation 5035933 (VCV005035933.1).
Genomic context (GRCh38, chr9:127,824,377, plus strand): 5'-TTCTTTAGTACCAGGGTCATGGCGTCGTCGGCACACTTTGTCTGGATCAAGGACATGAGC[A>G]GCTCCGGGCTACAAGTGTCCTTGGGAGGAGTGGTCTGGATCGGTGCGGGTGAGGTCTGCA-3'
Protein context (NP_001108225.1, residues 344-364): TPPKDTCSPE[Leu354Pro]LMSLIQTKCA

ClinVar aggregate classification (germline): Uncertain significance (1 of 4 stars; one submission).

Conditions:
Cardiovascular phenotype. Identifiers: MedGen CN230736.

Submission:

Ambry Genetics
Classification: Uncertain significance for Cardiovascular phenotype. Last evaluated: 2026-07-10. Review status: criteria provided, single submitter. Criteria: Ambry Variant Classification Scheme 2023. Collection method: clinical testing. Allele origin: germline.
Comment: The p.L354P variant (also known as c.1061T>C), located in coding exon 8 of the ENG gene, results from a T to C substitution at nucleotide position 1061. The leucine at codon 354 is replaced by proline, an amino acid with similar properties. This amino acid position is conserved. In addition, the in silico prediction for this alteration is inconclusive. Based on the available evidence, the clinical significance of this variant remains unclear.